The following is an entry in ClinVar:

NM_001572.5(IRF7):c.1391G>A (p.Gly464Asp)

Gene: IRF7 (interferon regulatory factor 7; minus strand). Cytogenetic location: 11p15.5.
Variant type: single nucleotide variant.
Coding change: c.1391G>A on transcript NM_001572.5 (MANE Select); coding-DNA position 1391, G replaced by A.
Protein change: p.Gly464Asp; replaces glycine 464 with aspartic acid.
Molecular consequence: missense variant.
Genome position (GRCh38, 1-based): chr11:612,766, C>T on the plus strand (G>A on the coding strand, the complement: IRF7 is on the minus strand). VCF-style: chr11-612766-C-T. GRCh37 (hg19) VCF-style: chr11-612766-C-T.
Other names: c.1304G>A, p.Gly435Asp (NM_004029.4); c.1430G>A, p.Gly477Asp (NM_004031.4); short protein forms G435D, G464D, G477D.
Identifiers: ClinVar variation 1367030 (VCV001367030.8), dbSNP rs1350285168, ClinGen allele CA378976035.

ClinVar aggregate classification (germline): Uncertain significance (1 of 4 stars; one submission).

Conditions:
Immunodeficiency 39 (IMD39). Identifiers: Orphanet 574918, MedGen C4225358, MONDO:0014597, OMIM 616345.

Allele frequency attached by ClinVar (database versions not stated): TOPMed below 0.00001.

Submission:

Labcorp Genetics (formerly Invitae), Labcorp
Classification: Uncertain significance for Immunodeficiency 39. Last evaluated: 2021-01-28. Review status: criteria provided, single submitter. Criteria: Invitae Variant Classification Sherloc (09022015). Collection method: clinical testing. Allele origin: germline.
Comment: This sequence change replaces glycine with aspartic acid at codon 477 of the IRF7 protein (p.Gly477Asp). The glycine residue is moderately conserved and there is a moderate physicochemical difference between glycine and aspartic acid. In summary, the available evidence is currently insufficient to determine the role of this variant in disease. Therefore, it has been classified as a Variant of Uncertain Significance. Algorithms developed to predict the effect of missense changes on protein structure and function are either unavailable or do not agree on the potential impact of this missense change (SIFT: "Tolerated"; PolyPhen-2: "Possibly Damaging"; Align-GVGD: "Class C0"). This variant has not been reported in the literature in individuals with IRF7-related conditions. This variant is not present in population databases (ExAC no frequency).